The following is an entry in ClinVar:

NM_018180.3(DHX32):c.152G>A (p.Arg51His)

Gene: DHX32 (DEAH-box helicase 32 (putative); minus strand). Cytogenetic location: 10q26.2.
Variant type: single nucleotide variant.
Coding change: c.152G>A on transcript NM_018180.3 (MANE Select); coding-DNA position 152, G replaced by A.
Protein change: p.Arg51His; replaces arginine 51 with histidine.
Molecular consequence: missense variant.
Genome position (GRCh38, 1-based): chr10:125,880,673, C>T on the plus strand (G>A on the coding strand, the complement: DHX32 is on the minus strand). VCF-style: chr10-125880673-C-T. GRCh37 (hg19) VCF-style: chr10-127569242-C-T.
Other names: short protein forms R51H.
Identifiers: ClinVar variation 1968938 (VCV001968938.5), dbSNP rs746704907, ClinGen allele CA5739521.

ClinVar aggregate classification (germline): Uncertain significance (1 of 4 stars; one submission).

Allele frequency attached by ClinVar (database versions not stated): gnomAD 0.00001; TOPMed 0.00001; ExAC 0.00002; gnomAD exomes 0.00003.
gnomAD v4.1: 42 of 1,614,054 alleles (0.0026%); highest among the groups gnomAD compares: Middle Eastern, 0.016%; no homozygotes.

Submission:

Labcorp Genetics (formerly Invitae), Labcorp
Classification: Uncertain significance. Last evaluated: 2022-09-25. Review status: criteria provided, single submitter. Criteria: Invitae Variant Classification Sherloc (09022015). Collection method: clinical testing. Allele origin: germline.
Comment: This sequence change replaces arginine, which is basic and polar, with histidine, which is basic and polar, at codon 51 of the DHX32 protein (p.Arg51His). This variant is present in population databases (rs746704907, gnomAD 0.02%). This variant has not been reported in the literature in individuals affected with DHX32-related conditions. Algorithms developed to predict the effect of missense changes on protein structure and function are either unavailable or do not agree on the potential impact of this missense change (SIFT: "Deleterious"; PolyPhen-2: "Benign"; Align-GVGD: "Class C0"). In summary, the available evidence is currently insufficient to determine the role of this variant in disease. Therefore, it has been classified as a Variant of Uncertain Significance.